The following is an entry in ClinVar:

ClinVar aggregate classification (germline): Pathogenic (1 of 4 stars; one submission).

Submission:

Labcorp Genetics (formerly Invitae), Labcorp
Classification: Pathogenic. Last evaluated: 2025-10-23. Review status: criteria provided, single submitter. Criteria: Invitae Variant Classification Sherloc (09022015). Collection method: clinical testing. Allele origin: germline.
Comment: This sequence change creates a premature translational stop signal (p.Leu855Cysfs*6) in the RP1 gene. While this is not anticipated to result in nonsense mediated decay, it is expected to disrupt the last 1302 amino acid(s) of the RP1 protein. This variant is not present in population databases (gnomAD no frequency). This variant has not been reported in the literature in individuals affected with RP1-related conditions. This variant disrupts the C-terminus of the RP1 protein. Many variants that disrupt this region have been reported in individuals with either autosomal dominant or autosomal recessive retinitis pigmentosa (PMID: 11527933, 19933189, 29425069, 30027431, 33681214). Therefore, variants that disrupt this region are expected to be disease-causing. For these reasons, this variant has been classified as Pathogenic.

Literature cited by the submitters: PubMed 11527933; PubMed 19933189; PubMed 29425069; PubMed 30027431; PubMed 33681214.

NM_006269.2(RP1):c.2564_2565del (p.Leu855fs)

Gene: RP1 (RP1 axonemal microtubule associated; plus strand). Cytogenetic location: 8q12.1.
Variant type: Deletion.
Coding change: c.2564_2565del on transcript NM_006269.2 (MANE Select); coding-DNA positions 2564 to 2565, 2 bases deleted (TA; older notation c.2564_2565delTA).
Protein change: p.Leu855fs; shifts the reading frame from leucine 855.
Molecular consequence: frameshift variant. On other transcripts: intron variant (1).
Genome position (GRCh38, 1-based): chr8:54,626,446-54,626,447, TA deleted. VCF-style (leftmost placement, unchanged base first): chr8-54626445-TTA-T. GRCh37 (hg19) VCF-style: chr8-55539005-TTA-T.
Other names: c.787+4158_787+4159del (NM_001375654.1); short protein forms L855fs.
Identifiers: ClinVar variation 4720218 (VCV004720218.1).